The following is an entry in ClinVar:

NM_002637.4(PHKA1):c.2369+122T>C

Gene: PHKA1 (phosphorylase kinase regulatory subunit alpha 1; minus strand). Cytogenetic location: Xq13.1.
Variant type: single nucleotide variant.
Coding change: c.2369+122T>C on transcript NM_002637.4 (MANE Select); 122 bases into the intron after coding-DNA position 2369, T replaced by C.
Molecular consequence: intron variant.
Genome position (GRCh38, 1-based): chrX:72,618,588, A>G on the plus strand (T>C on the coding strand, the complement: PHKA1 is on the minus strand). VCF-style: chrX-72618588-A-G. GRCh37 (hg19) VCF-style: chrX-71838438-A-G.
Other names: c.2192+122T>C (NM_001172436.2); c.2369+122T>C (NM_001122670.2).
Identifiers: ClinVar variation 676226 (VCV000676226.1), dbSNP rs5958769, ClinGen allele CA15047701.
Genomic context (GRCh38, chrX:72,618,588, plus strand): 5'-GGTATATATAATCCAAATTCTATAAATGAGGACAACTGAGGGTTTGAAGTCACATGATGG[A>G]TAGGTTGTTAAACTATATTCAATTCCAGATCAGCGAAACTCCAAAAGCTGTGCTCTATTT-3'

ClinVar aggregate classification (germline): Benign (1 of 4 stars; one submission).

Allele frequency attached by ClinVar (database versions not stated): gnomAD exomes 0.33359; gnomAD 0.46255 and 0.46586; TOPMed 0.49187; 1000 Genomes Project 0.56901; 1000 Genomes Project 30x 0.56941.
gnomAD v4.1: 201,942 of 563,363 alleles (36%); highest among the groups gnomAD compares: African/African-American, 84%; 32,209 homozygotes.

Submission:

GeneDx
Classification: Benign. Last evaluated: 2018-06-18. Review status: criteria provided, single submitter. Criteria: GeneDx Variant Classification (06012015). Collection method: clinical testing. Allele origin: germline. Affected: yes.
Comment: This variant is considered likely benign or benign based on one or more of the following criteria: it is a conservative change, it occurs at a poorly conserved position in the protein, it is predicted to be benign by multiple in silico algorithms, and/or has population frequency not consistent with disease.